The following is an entry in ClinVar:

ClinVar aggregate classification (germline): Pathogenic (1 of 4 stars; one submission).

Conditions:
Duchenne muscular dystrophy (DMD). Also called: Duchenne Muscular Dystrophy (DMD); MUSCULAR DYSTROPHY, PSEUDOHYPERTROPHIC PROGRESSIVE, DUCHENNE TYPE. Identifiers: Orphanet 98896, MedGen C0013264, MONDO:0010679, OMIM 310200.

Submission:

Labcorp Genetics (formerly Invitae), Labcorp
Classification: Pathogenic for Duchenne muscular dystrophy. Last evaluated: 2022-06-27. Review status: criteria provided, single submitter. Criteria: Invitae Variant Classification Sherloc (09022015). Collection method: clinical testing. Allele origin: germline.
Comment: For these reasons, this variant has been classified as Pathogenic. Algorithms developed to predict the effect of sequence changes on RNA splicing suggest that this variant may disrupt the consensus splice site. Disruption of this splice site has been observed in individual(s) with Becker muscular dystrophy and/or clinical features of DMD-related conditions (PMID: 28859693; Invitae). This variant is not present in population databases (gnomAD no frequency). This sequence change affects an acceptor splice site in intron 73 of the DMD gene. It is expected to disrupt RNA splicing. Variants that disrupt the donor or acceptor splice site typically lead to a loss of protein function (PMID: 16199547), and loss-of-function variants in DMD are known to be pathogenic (PMID: 16770791, 25007885).

Literature cited by the submitters: PubMed 28859693; PubMed 16199547; PubMed 16770791; PubMed 25007885.

NM_004006.3(DMD):c.10395-1G>C

Gene: DMD (dystrophin; minus strand). Cytogenetic location: Xp21.2.
Variant type: single nucleotide variant.
Coding change: c.10395-1G>C on transcript NM_004006.3 (MANE Select); the canonical splice acceptor site of the intron before coding-DNA position 10395, G replaced by C.
Molecular consequence: splice acceptor variant. On other transcripts: intron variant (2).
Genome position (GRCh38, 1-based): chrX:31,169,602, C>G on the plus strand (G>C on the coding strand, the complement: DMD is on the minus strand). VCF-style: chrX-31169602-C-G. GRCh37 (hg19) VCF-style: chrX-31187719-C-G.
Other names: c.10371-1G>C (NM_000109.4); c.6372-1G>C (NM_004011.4); c.6363-1G>C (NM_004012.4); c.2843+9067G>C (NM_004023.3, NM_004020.4); c.2976-1G>C (NM_004022.3); c.3015-1G>C (NM_004021.3, NM_004013.3); c.2208-1G>C (NM_004014.3); c.1152-1G>C (NM_004018.3, NM_004017.3); and 3 more.
Identifiers: ClinVar variation 1504099 (VCV001504099.6), dbSNP rs1602338283, ClinGen allele CA412652087.